The following is an entry in ClinVar:

NM_000077.5(CDKN2A):c.206A>G (p.Glu69Gly)

Gene: CDKN2A (cyclin dependent kinase inhibitor 2A; minus strand). Cytogenetic location: 9p21.3.
Variant type: single nucleotide variant.
Coding change: c.206A>G on transcript NM_000077.5; coding-DNA position 206, A replaced by G.
Protein change: p.Glu69Gly; replaces glutamic acid 69 with glycine.
Molecular consequence: missense variant (on NM_000077.6). On other transcripts: synonymous variant (1), 3 prime UTR variant (1).
Genome position (GRCh38, 1-based): chr9:21,971,153, T>C on the plus strand (A>G on the coding strand, the complement: CDKN2A is on the minus strand). VCF-style: chr9-21971153-T-C. GRCh37 (hg19) VCF-style: chr9-21971152-T-C.
Other names: c.206A>G, p.Glu69Gly (NM_000077.6, NM_001195132.2); c.53A>G, p.Glu18Gly (NM_001363763.2); c.249A>G, p.Gly83= (NM_058195.4); c.*129A>G (NM_058197.5); short protein forms E69G, E18G.
Identifiers: ClinVar variation 186615 (VCV000186615.37), dbSNP rs372670098, ClinGen allele CA195340.

ClinVar aggregate classification (germline): Conflicting classifications of pathogenicity. Review status: criteria provided, conflicting classifications (1 of 4 stars). 11 submissions from 11 submitters: Likely pathogenic (1); Uncertain significance (10). Last evaluated 2026-08-18.

Conditions:
CDKN2A-related disorder. Also called: CDKN2A-related condition.
Melanoma-pancreatic cancer syndrome. Identifiers: Orphanet 404560, MedGen C1838547, MONDO:0011713, OMIM 606719. Disease mechanism: loss of function.
Melanoma, cutaneous malignant, susceptibility to, 2 (CMM2). Also called: CDKN2A-Related Cutaneous Malignant Melanoma; Cutaneous malignant melanoma 2. Identifiers: Orphanet 618, MedGen C1835044, MONDO:0007964, OMIM 155601.
Melanoma and neural system tumor syndrome. Also called: MELANOMA-ASTROCYTOMA SYNDROME. Identifiers: Orphanet 252206, MedGen C1835042, MONDO:0007967, OMIM 155755.
Hereditary cancer-predisposing syndrome. Also called: Neoplastic Syndromes, Hereditary; Hereditary Cancer Syndrome; Tumor predisposition; Hereditary neoplastic syndrome. Identifiers: Orphanet 140162, MedGen C0027672, MeSH D009386, MONDO:0015356.
Familial melanoma. Also called: Hereditary melanoma; Hereditary cutaneous melanoma. Identifiers: Orphanet 618, MedGen C1512419, MONDO:0018961.

Allele frequency attached by ClinVar (database versions not stated): ESP Exome Variant Server 0.00008; TOPMed 0.00004; ExAC 0.00001; gnomAD 0.00003; gnomAD exomes 0.00004 and 0.00001.
gnomAD v4.1: 67 of 1,593,674 alleles (0.0042%); highest among the groups gnomAD compares: Non-Finnish European, 0.0056%; no homozygotes.

Submissions 1 to 6 of 11:

Ambry Genetics
Classification: Likely pathogenic for Hereditary cancer-predisposing syndrome. Last evaluated: 2026-08-18. Review status: criteria provided, single submitter. Criteria: Ambry Variant Classification Scheme 2023. Collection method: clinical testing. Allele origin: germline.
Comment: The p.E69G variant (also known as c.206A>G), located in coding exon 2 of the CDKN2A gene, results from an A to G substitution at nucleotide position 206 of the p16 protein-encoding isoform. The glutamic acid at codon 69 is replaced by glycine, an amino acid with similar properties. This alteration has been detected in multiple individuals diagnosed with melanoma; however, it did not segregate completely with disease (Goldstein AM et al. Cancer Res. 2006 Oct; 66(20):9818-28; Harland M et al. Hered Cancer Clin Pract 2014;12(1):20; Kannengiesser C et al. Hum. Mutat. 2009 Apr; 30(4):564-74; Hatvani Z et al. Exp. Dermatol. 2014 May;23(5):361-4; Cust AE et al. J. Med. Genet., 2011 Apr;48:266-72; Miller PJ et al. Hum. Mutat., 2011 Aug;32:900-11; Chaudru V et al. Fam. Cancer, 2009 May;8:371-7). Case-control analysis determined this variant to have increased risk for melanoma (Ambry internal data). This variant showed increased growth as well as decreased binding to both CDK6 and CDK4, although the CDK4 binding defect may be intermediate with respect to other known pathogenic CDKN2A missense mutations (Kannengiesser C et al. Hum. Mutat. 2009 Apr; 30(4):564-74; McKenzie HA et al. Hum. Mutat. 2010 Jun; 31(6):692-701). Another functional study reported this variant as neutral based on in-vitro assessment of impact on proliferation in human pancreatic cancer cell lines (Kimura H et al. Elife, 2022 01;11:). Based on internal structural analysis, this amino acid lies within the probable CDK4 binding site and is in close contact with other amino acids at which other pathogenic missense substitutions are found; however the change from glutamic acid to glycine is predicted to only mildly destabilize local structure and protein-protein binding interactions (Ambry internal data; Kannengiesser C et al. Hum. Mutat. 2009 Apr; 30(4):564-74; Russo AA et al. Nature, 1998 Sep;395:237-43). Based on the majority of available evidence to date, this variant is likely to be pathogenic with moderate risk.

PreventionGenetics, part of Exact Sciences
Classification: Uncertain significance for CDKN2A-related condition. Last evaluated: 2026-07-20. Review status: criteria provided, single submitter. Criteria: ACMG Guidelines, 2015. Collection method: clinical testing. Allele origin: germline.
Comment: The CDKN2A c.206A>G variant is predicted to result in the amino acid substitution p.Glu69Gly. This variant has been identified in individuals affected with melanoma (Goldstein et al. 2006. PubMed ID: 17047042; Cust et al. 2011. PubMed ID: 21325014; Hatvani et al. 2014. PubMed ID: 24660985). In individuals with melanoma, this variant did not segregate with disease in two families (Kannengiesser et al. 2009. PubMed ID: 19260062) and is present in non-melanoma individuals (Miller et al. 2011. PubMed ID: 21462282). Functional studies are conflicting and show that this variant exhibited partial loss of CDK4 binding activity, retaining ~60% wild type activity (Kannengiesser et al. 2009. PubMed ID: 19260062). Another study showed a significant reduction in CDK4 and CDK6 binding, as well as altered p16 protein localization compared to wild type (McKenzie et al. 2010. PubMed ID: 20340136). This variant was also identified in an individual with colorectal cancer (Yurgelun et al. 2017. PubMed ID: 28135145). This variant is reported in 0.0021% of alleles in individuals of European (Non-Finnish) descent in gnomAD and has conflicting interpretations regarding its pathogenicity in ClinVar, ranging from uncertain to likely pathogenic (Variation ID: 186615). At this time, the clinical significance of this variant is uncertain due to the absence of conclusive functional and genetic evidence.

Quest Diagnostics Nichols Institute San Juan Capistrano
Classification: Uncertain significance. Last evaluated: 2025-07-02. Review status: criteria provided, single submitter. Criteria: Quest Diagnostics criteria. Collection method: clinical testing. Allele origin: unknown.
Comment: The CDKN2A (P16-INK4A) c.206A>G (p.Glu69Gly) variant (also P16 E69G) is known in an alternate isoform as CDKN2A (P14-ARF) c.249A>G (p.Gly83=), a synonymous variant. The P16 variant has been reported in the published literature in individuals/families affected with melanoma (PMID: 16905682 (2007), 19260062 (2009), 20876876 (2010), 21462282 (2011), 24660985 (2014), 25780468 (2014)), colorectal cancer (PMID: 28135145 (2017)), and breast cancer (PMID: 33753322 (2021)). It was also identified in an individual with a Lynch syndrome-associated cancer and/or polyps who also had a deleterious variant in the MLH1 gene (PMID: 25980754 (2015)). Experimental results on protein function were inconclusive. The variant reportedly showed at least a partial impairment of CDK4 binding, however, the control of cellular proliferation either was reduced to an intermediate level or was clearly retained (PMID: 19260062 (2009), 20340136 (2010), 35001868 (2022), 40238651 (2025)). The frequency of this variant in the general population (Genome Aggregation Database) is uninformative in the assessment of its pathogenicity. Analysis of this variant using software algorithms for the prediction of the effect of nucleotide changes on splicing yielded predictions that this variant does not affect P16-INK4A or P14-ARF mRNA splicing (Alamut Visual). Based on the available information, we are unable to determine the clinical significance of the CDKN2A P16 c.206A>G (p.Glu69Gly) and P14 c.249A>G (p.Gly83=) variants.

Center for Genomic Medicine, Rigshospitalet, Copenhagen University Hospital
Classification: Uncertain significance. Last evaluated: 2025-03-04. Review status: criteria provided, single submitter. Criteria: ACMG Guidelines, 2015. Collection method: clinical testing. Allele origin: germline.

GeneDx
Classification: Uncertain significance. Last evaluated: 2025-02-19. Review status: criteria provided, single submitter. Criteria: GeneDx Variant Classification Process June 2021. Collection method: clinical testing. Allele origin: germline. Affected: yes.
Comment: Published functional studies are inconclusive: reduced CDK4 and CDK6 binding ability but no effect on cell proliferation (PMID: 19260062, 20340136, 35001868); Observed in individuals and families with CDKN2A-related cancers (PMID: 17047042, 16905682, 19260062, 25780468, 24660985); Not observed at significant frequency in large population cohorts (gnomAD); In silico analysis supports that this missense variant has a deleterious effect on protein structure/function; This variant is associated with the following publications: (PMID: 25780468, 17047042, 21325014, 26104880, 9425228, 25980754, 20340136, 19260062, 24660985, 21462282, 20876876, 16905682, 19484507, 28135145, 30709382, 35001868, 33753322, 29922827, 39821174)

Color Diagnostics, LLC DBA Color Health
Classification: Uncertain significance for Hereditary cancer-predisposing syndrome. Last evaluated: 2025-02-03. Review status: criteria provided, single submitter. Criteria: ACMG Guidelines, 2015. Collection method: clinical testing. Allele origin: germline.
Comment: This missense variant replaces glutamic acid with glycine at codon 69 of the CDKN2A protein. Computational prediction suggests that this variant may not impact protein structure and function. Functional studies have shown the mutant protein to exhibit reduced binding to CDK4 and/or CDK6 (PMID: 19260062, 20340136); however, cell proliferation and cell cycle progression assays showed activity comparable to wild-type (PMID: 35001868). This variant has been reported in individuals affected with melanoma (PMID: 17047042, 19484507, 21325014, 21462282, 24660985, 25780468), colorectal cancer (PMID: 25980754, 28135145), and breast cancer (PMID: 33753322). However, the variant did not show segregation with melanoma in multiple families; the variant was observed in unaffected individuals (PMID: 21462282) and was absent in some affected individuals (PMID: 19260062). This variant has been observed together with pathogenic BRCA2 variants in two unrelated families and with a pathogenic CHEK2 variant in a family with a history of melanoma and prostate cancer (Color internal data). This variant has been identified in 2/211552 chromosomes in the general population by the Genome Aggregation Database (gnomAD). The available evidence is insufficient to determine the role of this variant in disease conclusively. Therefore, this variant is classified as a Variant of Uncertain Significance.